The following is an entry in ClinVar:

NM_144687.4(NLRP12):c.2185G>C (p.Gly729Arg)

Gene: NLRP12 (NLR family pyrin domain containing 12; minus strand). Cytogenetic location: 19q13.42.
Variant type: single nucleotide variant.
Coding change: c.2185G>C on transcript NM_144687.4 (MANE Select); coding-DNA position 2185, G replaced by C.
Protein change: p.Gly729Arg; replaces glycine 729 with arginine.
Molecular consequence: missense variant.
Genome position (GRCh38, 1-based): chr19:53,807,553, C>G on the plus strand (G>C on the coding strand, the complement: NLRP12 is on the minus strand). VCF-style: chr19-53807553-C-G. GRCh37 (hg19) VCF-style: chr19-54310807-C-G.
Other names: c.2188G>C, p.Gly730Arg (NM_001277126.2); c.2185G>C, p.Gly729Arg (NM_001277129.1); short protein forms G729R, G730R.
Identifiers: ClinVar variation 843481 (VCV000843481.11), dbSNP rs139938997, ClinGen allele CA9639198.
Genomic context (GRCh38, chr19:53,807,553, plus strand): 5'-ACCTCAGGTTCTGAAGTTTGCAGTTGGGGTGTCTGAGTCCTTGACAGAGCAGCTTCACCC[C>G]CCGGCTGCCCAGGGCATTTCGGTACAGAGACAGCTCTATCAGGTTTGGATTGGTGCACAG-3'
Protein context (NP_653288.1, residues 719-739): SLYRNALGSR[Gly729Arg]VKLLCQGLRH

ClinVar aggregate classification (germline): Conflicting classifications of pathogenicity. Review status: criteria provided, conflicting classifications (1 of 4 stars). 2 submissions from 2 submitters: Uncertain significance (1); Likely benign (1). Last evaluated 2026-07-13.

Conditions:
Familial cold autoinflammatory syndrome 2 (FCAS2). Identifiers: Orphanet 247868, MedGen C2673198, MONDO:0012724, OMIM 611762.
NLRP12-related disorder. Also called: NLRP12-related conditions; NLRP12-related condition.

Allele frequency attached by ClinVar (database versions not stated): TOPMed 0.00005; 1000 Genomes Project 0.00060; 1000 Genomes Project 30x 0.00062.
gnomAD v4.1: 62 of 1,614,124 alleles (0.0038%); highest among the groups gnomAD compares: East Asian, 0.056%; no homozygotes.

Submissions (2):

PreventionGenetics, part of Exact Sciences
Classification: Uncertain significance for NLRP12-related condition. Last evaluated: 2026-07-13. Review status: criteria provided, single submitter. Criteria: ACMG Guidelines, 2015. Collection method: clinical testing. Allele origin: germline.
Comment: The NLRP12 c.2185G>C variant is predicted to result in the amino acid substitution p.Gly729Arg. This variant is reported in 0.071% of alleles in individuals of East Asian descent in gnomAD. At this time, the clinical significance of this variant is uncertain due to the absence of conclusive functional and genetic evidence.

Labcorp Genetics (formerly Invitae), Labcorp
Classification: Likely benign for Familial cold autoinflammatory syndrome 2. Last evaluated: 2025-11-10. Review status: criteria provided, single submitter. Criteria: Invitae Variant Classification Sherloc (09022015). Collection method: clinical testing. Allele origin: germline.